The following is an entry in ClinVar:

NM_001081.4(CUBN):c.2301G>C (p.Glu767Asp)

Gene: CUBN (cubilin; minus strand). Cytogenetic location: 10p13.
Variant type: single nucleotide variant.
Coding change: c.2301G>C on transcript NM_001081.4 (MANE Select); coding-DNA position 2301, G replaced by C.
Protein change: p.Glu767Asp; replaces glutamic acid 767 with aspartic acid.
Molecular consequence: missense variant.
Genome position (GRCh38, 1-based): chr10:17,084,271, C>G on the plus strand (G>C on the coding strand, the complement: CUBN is on the minus strand). VCF-style: chr10-17084271-C-G. GRCh37 (hg19) VCF-style: chr10-17126270-C-G.
Other names: short protein forms E767D.
Identifiers: ClinVar variation 3336804 (VCV003336804.1).
Genomic context (GRCh38, chr10:17,084,271, plus strand): 5'-CTGCAGAATATAAAAATGTTGATGAATGTCATCTAAGGGCGATTGAGTAGTGAAAGTTAC[C>G]TCAATGTAATTCTGAGAACTGTCACTCTGGCATTGCAGCTCCACGTGGGTGAAGTTGATT-3'
Protein context (NP_001072.2, residues 757-777): CQSDSSQNYI[Glu767Asp]VRDGETLLGK

ClinVar aggregate classification (germline): Pathogenic (1 of 4 stars; one submission).

Conditions:
Imerslund-Grasbeck syndrome type 1 (IGS1). Also called: MEGALOBLASTIC ANEMIA, 1; Megaloblastic anemia 1, Finnish type; Imerslund-Gräsbeck syndrome 1. Identifiers: MedGen C4016819, MONDO:0100156, OMIM 261100.

gnomAD v4.1: 1 of 1,613,822 alleles (0.000062%); highest among the groups gnomAD compares: Non-Finnish European, 0.000085%; no homozygotes.

Submission:

Centre for Inherited Metabolic Diseases, Karolinska University Hospital
Classification: Pathogenic for Imerslund-Grasbeck syndrome type 1. Last evaluated: 2024-07-23. Review status: criteria provided, single submitter. Criteria: ACMG Guidelines, 2015. Collection method: clinical testing. Allele origin: inherited. Inheritance: Autosomal recessive inheritance. Affected: yes. Observed: 1 homozygote.
Comment: The variant affects a canonical splice site (PVS1). The variant is rare in the healthy population (PM2-supporting). The variant is homozygous (PM3-supporting according to the ClinGen Sequence variant interpretation Recommendation for in-trans Criterion (PM3) - Version 1.0)